The following is an entry in ClinVar:

ClinVar aggregate classification (germline): Likely benign. Review status: criteria provided, multiple submitters, no conflicts (2 of 4 stars). 2 submissions from 2 submitters: Likely benign (2). Last evaluated 2025-11-05.

Conditions:
Koolen-de Vries syndrome (KDVS). Identifiers: Orphanet 96169, MedGen C1864871, MONDO:0012496, OMIM 610443.

Allele frequency attached by ClinVar (database versions not stated): gnomAD exomes 0.00001 and 0.00002; ExAC 0.00002.
gnomAD v4.1: 12 of 1,614,072 alleles (0.00074%); highest among the groups gnomAD compares: South Asian, 0.011%; no homozygotes.

Submissions (2):

Labcorp Genetics (formerly Invitae), Labcorp
Classification: Likely benign for Koolen-de Vries syndrome. Last evaluated: 2025-11-05. Review status: criteria provided, single submitter. Criteria: Invitae Variant Classification Sherloc (09022015). Collection method: clinical testing. Allele origin: germline.

GeneDx
Classification: Likely benign. Last evaluated: 2016-08-10. Review status: criteria provided, single submitter. Criteria: GeneDx Variant Classification (06012015). Collection method: clinical testing. Allele origin: germline. Affected: yes.
Comment: This variant is considered likely benign or benign based on one or more of the following criteria: it is a conservative change, it occurs at a poorly conserved position in the protein, it is predicted to be benign by multiple in silico algorithms, and/or has population frequency not consistent with disease.

NM_015443.4(KANSL1):c.3185G>A (p.Arg1062His)

Gene: KANSL1 (KAT8 regulatory NSL complex subunit 1). Cytogenetic location: 17q21.31.
Variant type: single nucleotide variant.
Coding change: c.3185G>A on transcript NM_015443.4 (MANE Select); coding-DNA position 3185, G replaced by A.
Protein change: p.Arg1062His; replaces arginine 1062 with histidine.
Molecular consequence: missense variant.
Genome position (GRCh38, 1-based): chr17:46,031,609, C>T on the plus strand (G>A on the coding strand, the complement: KANSL1 is on the minus strand). VCF-style: chr17-46031609-C-T. GRCh37 (hg19) VCF-style: chr17-44108975-C-T.
Other names: c.3182G>A, p.Arg1061His (NM_001193465.2); c.3185G>A, p.Arg1062His (NM_001193466.2, NM_001379198.1); short protein forms R1062H, R1061H.
Identifiers: ClinVar variation 379614 (VCV000379614.10), dbSNP rs768018906, ClinGen allele CA8618350.